The following is an entry in ClinVar:

ClinVar aggregate classification (germline): Pathogenic. Review status: criteria provided, multiple submitters, no conflicts (2 of 4 stars). 3 submissions from 3 submitters: Pathogenic (3). Last evaluated 2024-12-04.

Conditions:
USH2A-related disorder. Also called: USH2A-related condition; USH2A-related disorders. Identifiers: MedGen CN239332.

Allele frequency attached by ClinVar (database versions not stated): ExAC 0.00001.

Submissions (3):

Labcorp Genetics (formerly Invitae), Labcorp
Classification: Pathogenic. Last evaluated: 2024-12-04. Review status: criteria provided, single submitter. Criteria: Invitae Variant Classification Sherloc (09022015). Collection method: clinical testing. Allele origin: germline.
Comment: This sequence change creates a premature translational stop signal (p.Gln3526*) in the USH2A gene. It is expected to result in an absent or disrupted protein product. Loss-of-function variants in USH2A are known to be pathogenic (PMID: 10729113, 10909849, 20507924, 25649381). This variant is not present in population databases (gnomAD no frequency). This premature translational stop signal has been observed in individual(s) with clinical features of USH2A-related conditions (PMID: 31054281, 32188678). ClinVar contains an entry for this variant (Variation ID: 1916211). Algorithms developed to predict the effect of sequence changes on RNA splicing suggest that this variant may disrupt the consensus splice site. For these reasons, this variant has been classified as Pathogenic.

GeneDx
Classification: Pathogenic. Last evaluated: 2024-06-24. Review status: criteria provided, single submitter. Criteria: GeneDx Variant Classification Process June 2021. Collection method: clinical testing. Allele origin: germline. Affected: yes.
Comment: Nonsense variant predicted to result in protein truncation or nonsense mediated decay in a gene for which loss of function is a known mechanism of disease; Not observed at significant frequency in large population cohorts (gnomAD); This variant is associated with the following publications: (PMID: 31054281, 32188678, 34948090, 32675063)

Blueprint Genetics
Classification: Pathogenic for USH2A-related disorders. Last evaluated: 2024-06-14. Review status: criteria provided, single submitter. Criteria: ACMG Guidelines, 2015. Collection method: clinical testing. Allele origin: germline. Affected: yes. Observed: 1 variant allele.

Literature cited by the submitters: PubMed 10729113 (cited by Labcorp Genetics (formerly Invitae), Labcorp); PubMed 10909849 (cited by Labcorp Genetics (formerly Invitae), Labcorp); PubMed 20507924 (cited by Labcorp Genetics (formerly Invitae), Labcorp); PubMed 25649381 (cited by Labcorp Genetics (formerly Invitae), Labcorp); PubMed 31054281 (cited by Labcorp Genetics (formerly Invitae), Labcorp); PubMed 32188678 (cited by Labcorp Genetics (formerly Invitae), Labcorp).

NM_206933.4(USH2A):c.10576C>T (p.Gln3526Ter)

Gene: USH2A (usherin; minus strand). Cytogenetic location: 1q41.
Variant type: single nucleotide variant.
Coding change: c.10576C>T on transcript NM_206933.4 (MANE Select); coding-DNA position 10576, C replaced by T.
Protein change: p.Gln3526Ter; replaces glutamine 3526 with a stop codon.
Molecular consequence: nonsense.
Genome position (GRCh38, 1-based): chr1:215,782,747, G>A on the plus strand (C>T on the coding strand, the complement: USH2A is on the minus strand). VCF-style: chr1-215782747-G-A. GRCh37 (hg19) VCF-style: chr1-215956089-G-A.
Other names: c.10576C>T (NM_206933.2); short protein forms Q3526*.
Identifiers: ClinVar variation 1916211 (VCV001916211.7), dbSNP rs773875669, ClinGen allele CA1393990.